The following is an entry in ClinVar:

ClinVar aggregate classification (germline): Uncertain significance (1 of 4 stars; one submission).

Conditions:
Diamond-Blackfan anemia 8 (DBA8). Also called: RPS7-Related Diamond-Blackfan Anemia. Identifiers: Orphanet 124, MedGen C2675511, MONDO:0012939, OMIM 612563.

gnomAD v4.1: 1 of 1,614,214 alleles (0.000062%); highest among the groups gnomAD compares: Middle Eastern, 0.016%; no homozygotes.

Submission:

Labcorp Genetics (formerly Invitae), Labcorp
Classification: Uncertain significance for Diamond-Blackfan anemia 8. Last evaluated: 2025-07-20. Review status: criteria provided, single submitter. Criteria: Invitae Variant Classification Sherloc (09022015). Collection method: clinical testing. Allele origin: germline.
Comment: This sequence change replaces histidine, which is basic and polar, with leucine, which is neutral and non-polar, at codon 91 of the RPS7 protein (p.His91Leu). This variant is not present in population databases (gnomAD no frequency). This variant has not been reported in the literature in individuals affected with RPS7-related conditions. An algorithm developed to predict the effect of missense changes on protein structure and function (PolyPhen-2) suggests that this variant is likely to be disruptive. In summary, the available evidence is currently insufficient to determine the role of this variant in disease. Therefore, it has been classified as a Variant of Uncertain Significance.

NM_001011.4(RPS7):c.272A>T (p.His91Leu)

Gene: RPS7 (ribosomal protein S7; plus strand). Cytogenetic location: 2p25.3.
Variant type: single nucleotide variant.
Coding change: c.272A>T on transcript NM_001011.4 (MANE Select); coding-DNA position 272, A replaced by T.
Protein change: p.His91Leu; replaces histidine 91 with leucine.
Molecular consequence: missense variant.
Genome position (GRCh38, 1-based): chr2:3,576,611, A>T. VCF-style: chr2-3576611-A-T. GRCh37 (hg19) VCF-style: chr2-3624201-A-T.
Other names: short protein forms H91L.
Identifiers: ClinVar variation 4714564 (VCV004714564.1).